The following is an entry in ClinVar:

NM_001080449.3(DNA2):c.1898C>T (p.Ala633Val)

Gene: DNA2 (DNA replication helicase/nuclease 2; minus strand). Cytogenetic location: 10q21.3.
Variant type: single nucleotide variant.
Coding change: c.1898C>T on transcript NM_001080449.3 (MANE Select); coding-DNA position 1898, C replaced by T.
Protein change: p.Ala633Val; replaces alanine 633 with valine.
Molecular consequence: missense variant. On other transcripts: non-coding transcript variant (1).
Genome position (GRCh38, 1-based): chr10:68,431,947, G>A on the plus strand (C>T on the coding strand, the complement: DNA2 is on the minus strand). VCF-style: chr10-68431947-G-A. GRCh37 (hg19) VCF-style: chr10-70191704-G-A.
Other names: short protein forms A633V.
Identifiers: ClinVar variation 1414792 (VCV001414792.9), dbSNP rs773532624, ClinGen allele CA5524945.

ClinVar aggregate classification (germline): Uncertain significance (1 of 4 stars; one submission).

Allele frequency attached by ClinVar (database versions not stated): ExAC 0.00001; gnomAD exomes 0.00001; TOPMed 0.00001; gnomAD 0.00003.
gnomAD v4.1: 24 of 1,612,838 alleles (0.0015%); highest among the groups gnomAD compares: East Asian, 0.0022%; no homozygotes.

Submissions (2):

Labcorp Genetics (formerly Invitae), Labcorp
Classification: Uncertain significance. Last evaluated: 2025-09-02. Review status: criteria provided, single submitter. Criteria: Invitae Variant Classification Sherloc (09022015). Collection method: clinical testing. Allele origin: germline.
Comment: This sequence change replaces alanine, which is neutral and non-polar, with valine, which is neutral and non-polar, at codon 633 of the DNA2 protein (p.Ala633Val). This variant is present in population databases (rs773532624, gnomAD 0.005%). This variant has not been reported in the literature in individuals affected with DNA2-related conditions. ClinVar contains an entry for this variant (Variation ID: 1414792). Invitae Evidence Modeling of protein sequence and biophysical properties (such as structural, functional, and spatial information, amino acid conservation, physicochemical variation, residue mobility, and thermodynamic stability) has been performed for this missense variant. However, the output from this modeling did not meet the statistical confidence thresholds required to predict the impact of this variant on DNA2 protein function. In summary, the available evidence is currently insufficient to determine the role of this variant in disease. Therefore, it has been classified as a Variant of Uncertain Significance.

Dr. Peter K. Rogan Lab, Western University
No classification provided (evidence only). Condition: Malignant tumor of urinary bladder. Review status: no classification provided. Collection method: in vitro. Allele origin: not applicable. Functional consequence: retained intron. Not counted in ClinVar's aggregate classification.